The following is an entry in ClinVar:

ClinVar aggregate classification (germline): Uncertain significance. Review status: criteria provided, multiple submitters, no conflicts (2 of 4 stars). 7 submissions from 7 submitters: Uncertain significance (7). Last evaluated 2025-11-09.

Conditions:
Myopathy caused by variation in POMT2. Identifiers: MedGen CN305642, MONDO:0700071.
Muscular dystrophy-dystroglycanopathy (congenital with brain and eye anomalies), type A2. Also called: WALKER-WARBURG SYNDROME OR MUSCLE-EYE-BRAIN DISEASE, POMT2-RELATED; MUSCULAR DYSTROPHY-DYSTROGLYCANOPATHY (CONGENITAL WITH BRAIN AND EYE ANOMALIES), TYPE A, 2. Identifiers: Orphanet 588, Orphanet 899, MedGen C3150411, MONDO:0013154, OMIM 613150.
Muscular dystrophy-dystroglycanopathy (congenital with impaired intellectual development), type B, 2. Also called: Muscular dystrophy-dystroglycanopathy (congenital with intellectual disability), type B2; MUSCULAR DYSTROPHY, CONGENITAL, POMT2-RELATED. Identifiers: MedGen C3150416, MONDO:0013160, OMIM 613156.
Autosomal recessive limb-girdle muscular dystrophy type 2N. Also called: MUSCULAR DYSTROPHY-DYSTROGLYCANOPATHY, LIMB-GIRDLE, POMT2-RELATED; Muscular dystrophy-dystroglycanopathy (limb-girdle), type C, 2. Identifiers: Orphanet 206559, MedGen C3150418, MONDO:0013162, OMIM 613158.

Allele frequency attached by ClinVar (database versions not stated): TOPMed 0.00001; gnomAD exomes 0.00002 and 0.00004; ExAC 0.00002.
gnomAD v4.1: 52 of 1,614,148 alleles (0.0032%); highest among the groups gnomAD compares: Non-Finnish European, 0.0042%; no homozygotes.

Submissions (7):

Mayo Clinic Laboratories, Mayo Clinic
Classification: Uncertain significance. Last evaluated: 2025-11-09. Review status: criteria provided, single submitter. Criteria: ACMG Guidelines, 2015. Collection method: clinical testing. Allele origin: germline. Observed: 1 variant allele.
Comment: PP3_strong, PM2_supporting

Broad Center for Mendelian Genomics, Broad Institute of MIT and Harvard
Classification: Uncertain significance for Myopathy caused by variation in POMT2. Last evaluated: 2025-06-27. Review status: criteria provided, single submitter. Criteria: ACMG Guidelines, 2015. Collection method: curation. Allele origin: germline. Inheritance: Autosomal recessive inheritance. Study: GREGoR Consortium.
Comment: The phase of these variants are unknown at this time. The p.Pro571Ser variant in POMT2 has been reported in 1 individual with limb girdle muscular dystrophy (PMID: 38544359), and has been identified in 0.004% (50/1180028) of European (non-Finnish) chromosomes by the Genome Aggregation Database (gnomAD; dbSNP rs771812476). Although this variant has been seen in the general population in a heterozygous state, its frequency is low enough to be consistent with a recessive carrier frequency. This variant has also been reported in ClinVar (Variation ID: 284056) and has been interpreted as a variant of uncertain significance by Eurofins Ntd Llc, Labcorp Genetics, GeneDx, and Revvity Omics. Of the 2 affected individuals, 1 was a compound heterozygote that carried a reported pathogenic variant in trans, which increases the likelihood that the p.Pro571Ser variant is pathogenic (Variation ID: 3221; PMID: 38544359). Computational prediction tools and conservation analyses suggest that this variant may impact the protein, though this information is not predictive enough to determine pathogenicity. In summary, the clinical significance of the p.Pro571Ser variant is uncertain. ACMG/AMP Criteria applied: PP3_moderate, PM2_supporting, PM3_supporting (Richards 2015).

Women's Health and Genetics/Laboratory Corporation of America, LabCorp
Classification: Uncertain significance. Last evaluated: 2025-06-03. Review status: criteria provided, single submitter. Criteria: LabCorp Variant Classification Summary - May 2015. Collection method: clinical testing. Allele origin: germline.
Comment: Variant summary: POMT2 c.1711C>T (p.Pro571Ser) results in a non-conservative amino acid change in the encoded protein sequence. Algorithms developed to predict the effect of missense changes on protein structure and function all suggest that this variant is likely to be disruptive. The variant allele was found at a frequency of 2.4e-05 in 251472 control chromosomes. c.1711C>T has been observed in individual(s) affected with Limb-Girdle Muscular Dystrophy, Autosomal Recessive (Marchant_2024, LCG internal data). These data indicate that the variant may be associated with disease. To our knowledge, no experimental evidence demonstrating an impact on protein function has been reported. The following publications have been ascertained in the context of this evaluation (PMID: 38544359). ClinVar contains an entry for this variant (Variation ID: 284056). Based on the evidence outlined above, the variant was classified as VUS-possibly pathogenic.

Labcorp Genetics (formerly Invitae), Labcorp
Classification: Uncertain significance for Muscular dystrophy-dystroglycanopathy (congenital with impaired intellectual development), type B, 2; Muscular dystrophy-dystroglycanopathy (congenital with brain and eye anomalies), type A2; Autosomal recessive limb-girdle muscular dystrophy type 2N. Last evaluated: 2024-07-08. Review status: criteria provided, single submitter. Criteria: Invitae Variant Classification Sherloc (09022015). Collection method: clinical testing. Allele origin: germline.
Comment: This sequence change replaces proline, which is neutral and non-polar, with serine, which is neutral and polar, at codon 571 of the POMT2 protein (p.Pro571Ser). This variant is present in population databases (rs771812476, gnomAD 0.004%). This missense change has been observed in individual(s) with clinical features of POMT2-related conditions (Invitae). In at least one individual the data is consistent with being in trans (on the opposite chromosome) from a pathogenic variant. ClinVar contains an entry for this variant (Variation ID: 284056). Advanced modeling of protein sequence and biophysical properties (such as structural, functional, and spatial information, amino acid conservation, physicochemical variation, residue mobility, and thermodynamic stability) has been performed at Invitae for this missense variant, however the output from this modeling did not meet the statistical confidence thresholds required to predict the impact of this variant on POMT2 protein function. In summary, the available evidence is currently insufficient to determine the role of this variant in disease. Therefore, it has been classified as a Variant of Uncertain Significance.

GeneDx
Classification: Uncertain significance. Last evaluated: 2020-07-20. Review status: criteria provided, single submitter. Criteria: GeneDx Variant Classification Process June 2021. Collection method: clinical testing. Allele origin: germline. Affected: yes.
Comment: Not observed at a significant frequency in large population cohorts (Lek et al., 2016); In silico analysis supports that this missense variant has a deleterious effect on protein structure/function; Has not been previously published as pathogenic or benign to our knowledge

Revvity Omics, Revvity
Classification: Uncertain significance. Last evaluated: 2020-03-16. Review status: criteria provided, single submitter. Criteria: ACMG Guidelines, 2015. Collection method: clinical testing. Allele origin: germline.

Eurofins Ntd Llc (ga)
Classification: Uncertain significance. Last evaluated: 2015-10-30. Review status: criteria provided, single submitter. Criteria: EGL Classification Definitions 2015. Collection method: clinical testing. Allele origin: germline. Observed: 1 variant allele, 1 heterozygote.

Literature cited by the submitters: PubMed 38544359 (cited by Women's Health and Genetics/Laboratory Corporation of America, LabCorp).

NM_013382.7(POMT2):c.1711C>T (p.Pro571Ser)

Gene: POMT2 (protein O-mannosyltransferase 2; minus strand). Cytogenetic location: 14q24.3.
Variant type: single nucleotide variant.
Coding change: c.1711C>T on transcript NM_013382.7 (MANE Select); coding-DNA position 1711, C replaced by T.
Protein change: p.Pro571Ser; replaces proline 571 with serine.
Molecular consequence: missense variant.
Genome position (GRCh38, 1-based): chr14:77,280,406, G>A on the plus strand (C>T on the coding strand, the complement: POMT2 is on the minus strand). VCF-style: chr14-77280406-G-A. GRCh37 (hg19) VCF-style: chr14-77746749-G-A.
Other names: NM_013382.7(POMT2):c.1711C>T; p.Pro571Ser; short protein forms P571S.
Identifiers: ClinVar variation 284056 (VCV000284056.18), dbSNP rs771812476, ClinGen allele CA7285754.